The following is an entry in ClinVar:

NM_005732.4(RAD50):c.3560T>C (p.Val1187Ala)

Genes: TH2-LCR (Th2 cytokine locus control region; plus strand), RAD50 (RAD50 double strand break repair protein; plus strand), TH2LCRR (T helper type 2 locus control region associated RNA; minus strand). Cytogenetic location: 5q31.1.
Variant type: single nucleotide variant.
Coding change: c.3560T>C on transcript NM_005732.4 (MANE Select); coding-DNA position 3560, T replaced by C.
Protein change: p.Val1187Ala; replaces valine 1187 with alanine.
Molecular consequence: missense variant. On other transcripts: non-coding transcript variant (3).
Genome position (GRCh38, 1-based): chr5:132,638,165, T>C. VCF-style: chr5-132638165-T-C. GRCh37 (hg19) VCF-style: chr5-131973857-T-C.
Other names: short protein forms V1187A.
Identifiers: ClinVar variation 231475 (VCV000231475.17), dbSNP rs876659182, ClinGen allele CA10578607.

ClinVar aggregate classification (germline): Uncertain significance. Review status: criteria provided, multiple submitters, no conflicts (2 of 4 stars). 2 submissions from 2 submitters: Uncertain significance (2). Last evaluated 2025-10-04.

Conditions:
Hereditary cancer-predisposing syndrome. Also called: Neoplastic Syndromes, Hereditary; Tumor predisposition; Hereditary Cancer Syndrome; Hereditary neoplastic syndrome. Identifiers: Orphanet 140162, MedGen C0027672, MeSH D009386, MONDO:0015356.

gnomAD v4.1: 1 of 1,614,126 alleles (0.000062%); no homozygotes.

Submissions (2):

Labcorp Genetics (formerly Invitae), Labcorp
Classification: Uncertain significance for Hereditary cancer-predisposing syndrome. Last evaluated: 2025-10-04. Review status: criteria provided, single submitter. Criteria: Invitae Variant Classification Sherloc (09022015). Collection method: clinical testing. Allele origin: germline.
Comment: This sequence change replaces valine, which is neutral and non-polar, with alanine, which is neutral and non-polar, at codon 1187 of the RAD50 protein (p.Val1187Ala). This variant is not present in population databases (gnomAD no frequency). This variant has not been reported in the literature in individuals affected with RAD50-related conditions. ClinVar contains an entry for this variant (Variation ID: 231475). Invitae Evidence Modeling of protein sequence and biophysical properties (such as structural, functional, and spatial information, amino acid conservation, physicochemical variation, residue mobility, and thermodynamic stability) indicates that this missense variant is expected to disrupt RAD50 protein function with a positive predictive value of 80%. In summary, the available evidence is currently insufficient to determine the role of this variant in disease. Therefore, it has been classified as a Variant of Uncertain Significance.

Ambry Genetics
Classification: Uncertain significance for Hereditary cancer-predisposing syndrome. Last evaluated: 2024-10-02. Review status: criteria provided, single submitter. Criteria: Ambry Variant Classification Scheme 2023. Collection method: clinical testing. Allele origin: germline.
Comment: The p.V1187A variant (also known as c.3560T>C), located in coding exon 23 of the RAD50 gene, results from a T to C substitution at nucleotide position 3560. The valine at codon 1187 is replaced by alanine, an amino acid with similar properties. This amino acid position is highly conserved in available vertebrate species. In addition, this alteration is predicted to be deleterious by in silico analysis. Based on the available evidence, the clinical significance of this variant remains unclear.